The following is an entry in ClinVar:

ClinVar aggregate classification (germline): Uncertain significance (1 of 4 stars; one submission).

Conditions:
Brown-Vialetto-van Laere syndrome 1. Also called: BROWN-VIALETTO-VAN LAERE SYNDROME 1, MILD; BULBAR PALSY, PROGRESSIVE, WITH SENSORINEURAL DEAFNESS; PONTOBULBAR PALSY WITH DEAFNESS. Identifiers: Orphanet 572550, Orphanet 97229, MedGen C0796274, MONDO:0024537, OMIM 211530.

Allele frequency attached by ClinVar (database versions not stated): TOPMed below 0.00001; gnomAD exomes below 0.00001.
gnomAD v4.1: 6 of 1,549,586 alleles (0.00039%); highest among the groups gnomAD compares: Non-Finnish European, 0.00052%; no homozygotes.

Submission:

Labcorp Genetics (formerly Invitae), Labcorp
Classification: Uncertain significance for Brown-Vialetto-van Laere syndrome 1. Last evaluated: 2021-10-09. Review status: criteria provided, single submitter. Criteria: Invitae Variant Classification Sherloc (09022015). Collection method: clinical testing. Allele origin: germline.
Comment: The frequency data for this variant in the population databases is considered unreliable, as metrics indicate insufficient coverage at this position in the ExAC database. This sequence change replaces serine with threonine at codon 402 of the SLC52A3 protein (p.Ser402Thr). The serine residue is highly conserved and there is a small physicochemical difference between serine and threonine. This variant has not been reported in the literature in individuals affected with SLC52A3-related conditions. In summary, the available evidence is currently insufficient to determine the role of this variant in disease. Therefore, it has been classified as a Variant of Uncertain Significance. Algorithms developed to predict the effect of missense changes on protein structure and function (SIFT, PolyPhen-2, Align-GVGD) all suggest that this variant is likely to be tolerated.

NM_033409.4(SLC52A3):c.1204T>A (p.Ser402Thr)

Gene: SLC52A3 (solute carrier family 52 member 3; minus strand). Cytogenetic location: 20p13.
Variant type: single nucleotide variant.
Coding change: c.1204T>A on transcript NM_033409.4 (MANE Select); coding-DNA position 1204, T replaced by A.
Protein change: p.Ser402Thr; replaces serine 402 with threonine.
Molecular consequence: missense variant.
Genome position (GRCh38, 1-based): chr20:761,232, A>T on the plus strand (T>A on the coding strand, the complement: SLC52A3 is on the minus strand). VCF-style: chr20-761232-A-T. GRCh37 (hg19) VCF-style: chr20-741876-A-T.
Other names: c.1204T>A, p.Ser402Thr (NM_001370085.1, NM_001370086.1); short protein forms S402T.
Identifiers: ClinVar variation 1473409 (VCV001473409.6), dbSNP rs1195024412, ClinGen allele CA407962125.